The following is an entry in ClinVar:

NM_007348.4(ATF6):c.1493GAA[1] (p.Arg499del)

Gene: ATF6 (activating transcription factor 6; plus strand). Cytogenetic location: 1q23.3.
Variant type: Microsatellite.
Coding change: c.1493GAA[1] on transcript NM_007348.4 (MANE Select); one copy of the 3-base unit GAA starting at c.1493; the reference has two copies in a row; one copy, 3 bases deleted.
Protein change: p.Arg499del; deletes arginine 499.
Molecular consequence: inframe deletion.
Genome position (GRCh38, 1-based): chr1:161,853,286-161,853,288, GAA deleted; deleting any 3 consecutive bases within chr1:161,853,281-161,853,288 gives the same sequence; the position shown is the placement nearest the transcript's 3' end. VCF-style (leftmost placement, unchanged base first): chr1-161853280-CAAG-C. GRCh37 (hg19) VCF-style: chr1-161823070-CAAG-C.
Other names: short protein forms R499del.
Identifiers: ClinVar variation 941250 (VCV000941250.6), dbSNP rs759467540, ClinGen allele CA1214487.

ClinVar aggregate classification (germline): Uncertain significance. Review status: criteria provided, multiple submitters, no conflicts (2 of 4 stars). 2 submissions from 2 submitters: Uncertain significance (2). Last evaluated 2024-10-29.

Submissions (2):

Labcorp Genetics (formerly Invitae), Labcorp
Classification: Uncertain significance. Last evaluated: 2024-10-29. Review status: criteria provided, single submitter. Criteria: Invitae Variant Classification Sherloc (09022015). Collection method: clinical testing. Allele origin: germline.
Comment: This variant, c.1496_1498del, results in the deletion of 1 amino acid(s) of the ATF6 protein (p.Arg499del), but otherwise preserves the integrity of the reading frame. This variant is present in population databases (rs759467540, gnomAD 0.01%). This variant has not been reported in the literature in individuals affected with ATF6-related conditions. ClinVar contains an entry for this variant (Variation ID: 941250). Experimental studies and prediction algorithms are not available or were not evaluated, and the functional significance of this variant is currently unknown. In summary, the available evidence is currently insufficient to determine the role of this variant in disease. Therefore, it has been classified as a Variant of Uncertain Significance.

Blueprint Genetics
Classification: Uncertain significance. Last evaluated: 2023-10-06. Review status: criteria provided, single submitter. Criteria: ACMG Guidelines, 2015. Collection method: clinical testing. Allele origin: germline.